The following is an entry in ClinVar:

ClinVar aggregate classification (germline): Likely benign (1 of 4 stars; one submission).

gnomAD v4.1: 2 of 1,051,802 alleles (0.00019%); highest among the groups gnomAD compares: Non-Finnish European, 0.00023%; no homozygotes.

Submission:

CeGaT Center for Human Genetics Tuebingen
Classification: Likely benign. Last evaluated: 2026-05-01. Review status: criteria provided, single submitter. Criteria: CeGaT Center For Human Genetics Tuebingen Variant Classification Criteria Version 2. Collection method: clinical testing. Allele origin: germline. Affected: yes. Observed: 1 variant allele.
Comment: ONECUT3: BP4, BP7

NM_001080488.2(ONECUT3):c.660A>G (p.Pro220=)

Gene: ONECUT3 (one cut homeobox 3; plus strand). Cytogenetic location: 19p13.3.
Variant type: single nucleotide variant.
Coding change: c.660A>G on transcript NM_001080488.2 (MANE Select); coding-DNA position 660, A replaced by G.
Protein change: p.Pro220=; no amino-acid change (proline 220 retained).
Molecular consequence: synonymous variant.
Genome position (GRCh38, 1-based): chr19:1,754,322, A>G. VCF-style: chr19-1754322-A-G. GRCh37 (hg19) VCF-style: chr19-1754321-A-G.
Identifiers: ClinVar variation 4873850 (VCV004873850.2).